The following is an entry in ClinVar:

NM_001008212.2(OPTN):c.1192C>G (p.Gln398Glu)

Gene: OPTN (optineurin; plus strand). Cytogenetic location: 10p13.
Variant type: single nucleotide variant.
Coding change: c.1192C>G on transcript NM_001008212.2 (MANE Select); coding-DNA position 1192, C replaced by G.
Protein change: p.Gln398Glu; replaces glutamine 398 with glutamic acid.
Molecular consequence: missense variant.
Genome position (GRCh38, 1-based): chr10:13,125,989, C>G. VCF-style: chr10-13125989-C-G. GRCh37 (hg19) VCF-style: chr10-13167989-C-G.
Other names: c.1192C>G, p.Gln398Glu (NM_001008211.1, NM_001008213.1, NM_021980.4); short protein forms Q398E.
Identifiers: ClinVar variation 3759145 (VCV003759145.2).

ClinVar aggregate classification (germline): Uncertain significance (1 of 4 stars; one submission).

Conditions:
Amyotrophic lateral sclerosis type 12 (ALS12). Also called: AMYOTROPHIC LATERAL SCLEROSIS 12 WITH OR WITHOUT FRONTOTEMPORAL DEMENTIA. Identifiers: Orphanet 803, MedGen C3150692, MONDO:0013264, OMIM 613435.
Primary open angle glaucoma (POAG). Also called: OPTN-related open angle glaucoma. Identifiers: MedGen C0339573, MONDO:0100553, OMIM 137760.
Glaucoma 1, open angle, E. Identifiers: MedGen C1842026, MONDO:0007665.

gnomAD v4.1: 25 of 1,612,610 alleles (0.0016%); highest among the groups gnomAD compares: Non-Finnish European, 0.0019%; no homozygotes.

Submission:

Labcorp Genetics (formerly Invitae), Labcorp
Classification: Uncertain significance for Primary open angle glaucoma; Glaucoma 1, open angle, E; Amyotrophic lateral sclerosis type 12. Last evaluated: 2026-01-27. Review status: criteria provided, single submitter. Criteria: Invitae Variant Classification Sherloc (09022015). Collection method: clinical testing. Allele origin: germline.
Comment: This sequence change replaces glutamine, which is neutral and polar, with glutamic acid, which is acidic and polar, at codon 398 of the OPTN protein (p.Gln398Glu). This variant is present in population databases (rs267606928, gnomAD 0.002%). This missense change has been observed in individual(s) with amyotrophic lateral sclerosis (PMID: 23881933). ClinVar contains an entry for this variant (Variation ID: 3759145). Invitae Evidence Modeling of protein sequence and biophysical properties (such as structural, functional, and spatial information, amino acid conservation, physicochemical variation, residue mobility, and thermodynamic stability) indicates that this missense variant is not expected to disrupt OPTN protein function with a negative predictive value of 80%. In summary, the available evidence is currently insufficient to determine the role of this variant in disease. Therefore, it has been classified as a Variant of Uncertain Significance.

Literature cited by the submitters: PubMed 23881933.